The following is an entry in ClinVar:

NM_207122.2(EXT2):c.1181G>A (p.Trp394Ter)

Gene: EXT2 (exostosin glycosyltransferase 2; plus strand). Cytogenetic location: 11p11.2.
Variant type: single nucleotide variant.
Coding change: c.1181G>A on transcript NM_207122.2 (MANE Select); coding-DNA position 1181, G replaced by A.
Protein change: p.Trp394Ter; replaces tryptophan 394 with a stop codon.
Molecular consequence: nonsense. On other transcripts: intron variant (1).
Genome position (GRCh38, 1-based): chr11:44,171,618, G>A. VCF-style: chr11-44171618-G-A. GRCh37 (hg19) VCF-style: chr11-44193168-G-A.
Other names: c.1280G>A, p.Trp427Ter (NM_000401.3); c.1181G>A, p.Trp394Ter (NM_001389628.1, NM_001389630.1); c.1267-56G>A (NM_001178083.3); short protein forms W427*, W394*.
Identifiers: ClinVar variation 960792 (VCV000960792.11), dbSNP rs1191238988, ClinGen allele CA380175039.

ClinVar aggregate classification (germline): Pathogenic. Review status: criteria provided, multiple submitters, no conflicts (2 of 4 stars). 2 submissions from 2 submitters: Pathogenic (2). Last evaluated 2024-11-05.

Conditions:
Exostoses, multiple, type 2 (EXT2). Also called: Hereditary Multiple Osteochondromatosis, Type II; EXOSTOSES, MULTIPLE, TYPE II. Identifiers: Orphanet 321, MedGen C1851413, MONDO:0007586, OMIM 133701.

Submissions (2):

Labcorp Genetics (formerly Invitae), Labcorp
Classification: Pathogenic for Exostoses, multiple, type 2. Last evaluated: 2024-11-05. Review status: criteria provided, single submitter. Criteria: Invitae Variant Classification Sherloc (09022015). Collection method: clinical testing. Allele origin: germline.
Comment: This sequence change creates a premature translational stop signal (p.Trp394*) in the EXT2 gene. It is expected to result in an absent or disrupted protein product. Loss-of-function variants in EXT2 are known to be pathogenic (PMID: 10679937, 19810120). This variant is not present in population databases (gnomAD no frequency). This premature translational stop signal has been observed in individual(s) with multiple osteochondromatosis (PMID: 12490068). ClinVar contains an entry for this variant (Variation ID: 960792). For these reasons, this variant has been classified as Pathogenic.

GeneDx
Classification: Pathogenic. Last evaluated: 2022-11-14. Review status: criteria provided, single submitter. Criteria: GeneDx Variant Classification Process June 2021. Collection method: clinical testing. Allele origin: germline. Affected: yes.
Comment: Nonsense variant predicted to result in protein truncation or nonsense mediated decay in a gene for which loss of function is a known mechanism of disease; Not observed at significant frequency in large population cohorts (gnomAD); This variant is associated with the following publications: (PMID: 25525159, 17589361, 29529714, 12490068, 25230886, 30334991, 30730578)

Literature cited by the submitters: PubMed 10679937 (cited by Labcorp Genetics (formerly Invitae), Labcorp); PubMed 19810120 (cited by Labcorp Genetics (formerly Invitae), Labcorp); PubMed 12490068 (cited by Labcorp Genetics (formerly Invitae), Labcorp).